The following is an entry in ClinVar:

ClinVar aggregate classification (germline): Uncertain significance (1 of 4 stars; one submission).

Conditions:
Hereditary breast ovarian cancer syndrome. Also called: BRCA1- and BRCA2-Associated Hereditary Breast and Ovarian Cancer; Hereditary breast and ovarian cancer; Hereditary breast and ovarian cancer syndrome; Breast and ovarian cancer; Hereditary breast and/or ovarian cancer syndrome; Hereditary breast and ovarian cancer syndrome (HBOC). Identifiers: Orphanet 145, MedGen C0677776, MeSH D061325, MONDO:0003582. Disease mechanism: loss of function.

Submission:

Labcorp Genetics (formerly Invitae), Labcorp
Classification: Uncertain significance for Hereditary breast ovarian cancer syndrome. Last evaluated: 2020-09-24. Review status: criteria provided, single submitter. Criteria: Invitae Variant Classification Sherloc (09022015). Collection method: clinical testing. Allele origin: germline.
Comment: In summary, the available evidence is currently insufficient to determine the role of this variant in disease. Therefore, it has been classified as a Variant of Uncertain Significance. Advanced modeling of protein sequence and biophysical properties (such as structural, functional, and spatial information, amino acid conservation, physicochemical variation, residue mobility, and thermodynamic stability) performed at Invitae indicates that this missense variant is not expected to disrupt BRCA2 protein function. This variant has not been reported in the literature in individuals with BRCA2-related conditions. This variant is not present in population databases (ExAC no frequency). This sequence change replaces tyrosine with histidine at codon 2916 of the BRCA2 protein (p.Tyr2916His). The tyrosine residue is moderately conserved and there is a moderate physicochemical difference between tyrosine and histidine.

NM_000059.4(BRCA2):c.8746T>C (p.Tyr2916His)

Gene: BRCA2 (BRCA2 DNA repair associated; plus strand). Cytogenetic location: 13q13.1.
Variant type: single nucleotide variant.
Coding change: c.8746T>C on transcript NM_000059.4 (MANE Select); coding-DNA position 8746, T replaced by C.
Protein change: p.Tyr2916His; replaces tyrosine 2916 with histidine.
Molecular consequence: missense variant.
Genome position (GRCh38, 1-based): chr13:32,376,783, T>C. VCF-style: chr13-32376783-T-C. GRCh37 (hg19) VCF-style: chr13-32950920-T-C.
Other names: short protein forms Y2916H.
Identifiers: ClinVar variation 1009999 (VCV001009999.9), dbSNP rs431825369, ClinGen allele CA387755065.